The following is an entry in ClinVar:

NM_000059.4(BRCA2):c.4197T>G (p.Cys1399Trp)

Gene: BRCA2 (BRCA2 DNA repair associated; plus strand). Cytogenetic location: 13q13.1.
Variant type: single nucleotide variant.
Coding change: c.4197T>G on transcript NM_000059.4 (MANE Select); coding-DNA position 4197, T replaced by G.
Protein change: p.Cys1399Trp; replaces cysteine 1399 with tryptophan.
Molecular consequence: missense variant. On other transcripts: non-coding transcript variant (1), intron variant (2).
Genome position (GRCh38, 1-based): chr13:32,338,552, T>G. VCF-style: chr13-32338552-T-G. GRCh37 (hg19) VCF-style: chr13-32912689-T-G.
Other names: c.4197T>G, p.Cys1399Trp (NM_001406719.1, NM_001406720.1); c.1909+5165T>G (NM_001406721.1); c.425-6006T>G (NM_001406722.1); short protein forms C1399W.
Identifiers: ClinVar variation 3261655 (VCV003261655.1).

ClinVar aggregate classification (germline): Uncertain significance (1 of 4 stars; one submission).

Conditions:
Hereditary cancer-predisposing syndrome. Also called: Hereditary Cancer Syndrome; Tumor predisposition; Hereditary neoplastic syndrome; Neoplastic Syndromes, Hereditary. Identifiers: Orphanet 140162, MedGen C0027672, MeSH D009386, MONDO:0015356.

Submission:

Ambry Genetics
Classification: Uncertain significance for Hereditary cancer-predisposing syndrome. Last evaluated: 2024-06-24. Review status: criteria provided, single submitter. Criteria: Ambry Variant Classification Scheme 2023. Collection method: clinical testing. Allele origin: germline.
Comment: The p.C1399W variant (also known as c.4197T>G), located in coding exon 10 of the BRCA2 gene, results from a T to G substitution at nucleotide position 4197. The cysteine at codon 1399 is replaced by tryptophan, an amino acid with highly dissimilar properties. This amino acid position is poorly conserved in available vertebrate species. In addition, this alteration is predicted to be tolerated by in silico analysis. Based on the available evidence, the clinical significance of this variant remains unclear.